The following is an entry in ClinVar:

NM_133638.6(ADAMTS19):c.747+7G>A

Gene: ADAMTS19 (ADAM metallopeptidase with thrombospondin type 1 motif 19; plus strand). Cytogenetic location: 5q23.3.
Variant type: single nucleotide variant.
Coding change: c.747+7G>A on transcript NM_133638.6 (MANE Select); 7 bases into the intron after coding-DNA position 747, G replaced by A.
Molecular consequence: intron variant.
Genome position (GRCh38, 1-based): chr5:129,461,764, G>A. VCF-style: chr5-129461764-G-A. GRCh37 (hg19) VCF-style: chr5-128797457-G-A.
Identifiers: ClinVar variation 3233986 (VCV003233986.2), dbSNP rs145826534, ClinGen allele CA3397247.

ClinVar aggregate classification (germline): Likely benign (1 of 4 stars; one submission).

Allele frequency attached by ClinVar (database versions not stated): gnomAD 0.00007; 1000 Genomes Project 30x 0.00031; 1000 Genomes Project 0.00040.
gnomAD v4.1: 149 of 1,482,582 alleles (0.01%); highest among the groups gnomAD compares: East Asian, 0.36%; 1 homozygote.

Submission:

Women's Health and Genetics/Laboratory Corporation of America, LabCorp
Classification: Likely benign. Last evaluated: 2024-03-29. Review status: criteria provided, single submitter. Criteria: LabCorp Variant Classification Summary - May 2015. Collection method: clinical testing. Allele origin: germline.
Comment: Variant summary: ADAMTS19 c.747+7G>A alters a non-conserved nucleotide located close to a canonical splice site and therefore could affect mRNA splicing, leading to a significantly altered protein sequence. Consensus agreement among computation tools predict no significant impact on normal splicing. However, these predictions have yet to be confirmed by functional studies. The variant allele was found at a frequency of 0.00027 in 143264 control chromosomes, predominantly at a frequency of 0.0034 within the East Asian subpopulation in the gnomAD database, including 1 homozygote, suggesting that the variant is a benign polymorphism found primarily in populations of East Asian origin. To our knowledge, no occurrence of c.747+7G>A in individuals affected with Cardiac Valvular Dysplasia 2 and no experimental evidence demonstrating its impact on protein function have been reported. No submitters have cited clinical-significance assessments for this variant to ClinVar. Based on the evidence outlined above, the variant was classified as likely benign.